The following is an entry in ClinVar:

ClinVar aggregate classification (germline): Pathogenic. Review status: criteria provided, single submitter (1 of 4 stars). 3 submissions from 3 submitters: Pathogenic (1). 2 of the submissions do not count toward it. Last evaluated 2023-01-28.

Conditions:
Jeune thoracic dystrophy. Also called: Jeune syndrome; Infantile thoracic dystrophy; Thoracic pelvic phalangeal dystrophy; Jeune's syndrome; Chondroectodermal dysplasia-like syndrome; Short-rib thoracic dysplasia. Identifiers: Orphanet 474, MedGen C0265275, MONDO:0018770.

Submissions (3):

Labcorp Genetics (formerly Invitae), Labcorp
Classification: Pathogenic for Jeune thoracic dystrophy. Last evaluated: 2023-01-28. Review status: criteria provided, single submitter. Criteria: Invitae Variant Classification Sherloc (09022015). Collection method: clinical testing. Allele origin: germline.
Comment: For these reasons, this variant has been classified as Pathogenic. ClinVar contains an entry for this variant (Variation ID: 446565). This premature translational stop signal has been observed in individual(s) with DYNC2H1-related conditions (PMID: 29068549). This variant is not present in population databases (gnomAD no frequency). This sequence change creates a premature translational stop signal (p.Ala2864Hisfs*10) in the DYNC2H1 gene. It is expected to result in an absent or disrupted protein product. Loss-of-function variants in DYNC2H1 are known to be pathogenic (PMID: 23339108, 32753734).

Dan Cohn Lab, University Of California Los Angeles
Classification: Pathogenic for Asphyxiating thoracic dystrophy. Last evaluated: 2017-06-01. Review status: no assertion criteria provided. Collection method: research. Allele origin: unknown. Affected: yes. Not counted in ClinVar's aggregate classification.

University of Washington Center for Mendelian Genomics, University of Washington
Classification: Likely pathogenic for asphyxiating thoracic dystrophy. Review status: no assertion criteria provided. Collection method: research. Allele origin: inherited. Affected: yes. Not counted in ClinVar's aggregate classification.

Literature cited by the submitters: PubMed 29068549 (cited by 3 submitters); PubMed 23339108 (cited by Labcorp Genetics (formerly Invitae), Labcorp); PubMed 32753734 (cited by Labcorp Genetics (formerly Invitae), Labcorp).

NM_001377.3(DYNC2H1):c.8590del (p.Ala2864fs)

Gene: DYNC2H1 (dynein cytoplasmic 2 heavy chain 1; plus strand). Cytogenetic location: 11q22.3.
Variant type: Deletion.
Coding change: c.8590del on transcript NM_001377.3 (MANE Select); coding-DNA position 8590, one base deleted (G; older notation c.8590delG).
Protein change: p.Ala2864fs; shifts the reading frame from alanine 2864.
Molecular consequence: frameshift variant.
Genome position (GRCh38, 1-based): chr11:103,211,839, G deleted. VCF-style (leftmost placement, unchanged base first): chr11-103211838-AG-A. GRCh37 (hg19) VCF-style: chr11-103082567-AG-A.
Other names: c.8590del, p.Ala2864fs (NM_001080463.2); short protein forms A2864fs.
Identifiers: ClinVar variation 446565 (VCV000446565.5), dbSNP rs1555070451, ClinGen allele CA476618868.